The following is an entry in ClinVar:

NC_000011.10:g.(?_17416920)_(17432254_?)del

Gene: ABCC8 (ATP binding cassette subfamily C member 8; minus strand). Cytogenetic location: 11p15.1.
Variant type: Deletion.
Identifiers: ClinVar variation 833318 (VCV000833318.5).

ClinVar aggregate classification (germline): Pathogenic (1 of 4 stars; one submission).

Submission:

Labcorp Genetics (formerly Invitae), Labcorp
Classification: Pathogenic. Last evaluated: 2019-09-07. Review status: criteria provided, single submitter. Criteria: Invitae Variant Classification Sherloc (09022015). Collection method: clinical testing. Allele origin: germline.
Comment: For these reasons, this variant has been classified as Pathogenic. Loss-of-function variants in ABCC8 are known to be pathogenic (PMID: 20685672, 23345197). This variant has not been reported in the literature in individuals with ABCC8-related conditions. This variant is an out-of-frame deletion of the genomic region encompassing exons 11-17 of the ABCC8 gene. This is expected to create a premature translational stop signal and result in an absent or disrupted protein product.

Literature cited by the submitters: PubMed 20685672; PubMed 23345197.